The following is an entry in ClinVar:

ClinVar aggregate classification (germline): Uncertain significance (1 of 4 stars; one submission).

Conditions:
Hereditary cancer-predisposing syndrome. Also called: Tumor predisposition; Neoplastic Syndromes, Hereditary; Hereditary neoplastic syndrome; Hereditary Cancer Syndrome. Identifiers: Orphanet 140162, MedGen C0027672, MeSH D009386, MONDO:0015356.

Submission:

Ambry Genetics
Classification: Uncertain significance for Hereditary cancer-predisposing syndrome. Last evaluated: 2025-07-03. Review status: criteria provided, single submitter. Criteria: Ambry Variant Classification Scheme 2023. Collection method: clinical testing. Allele origin: germline.
Comment: The c.1347-3T>C intronic variant results from a T to C substitution 3 nucleotides upstream from coding exon 9 in the KIT gene. This nucleotide position is not well conserved in available vertebrate species. In silico splice site analysis predicts that this alteration will not have any significant effect on splicing. Based on the available evidence, the clinical significance of this variant remains unclear.

NM_000222.3(KIT):c.1347-3T>C

Gene: KIT (KIT proto-oncogene, receptor tyrosine kinase; plus strand). Cytogenetic location: 4q12.
Variant type: single nucleotide variant.
Coding change: c.1347-3T>C on transcript NM_000222.3 (MANE Select); 3 bases into the intron before coding-DNA position 1347, T replaced by C.
Molecular consequence: intron variant.
Genome position (GRCh38, 1-based): chr4:54,725,854, T>C. VCF-style: chr4-54725854-T-C. GRCh37 (hg19) VCF-style: chr4-55592020-T-C.
Other names: c.1350-3T>C (NM_001385284.1, NM_001385290.1, NM_001385288.1 and 1 more transcripts); c.1347-3T>C (NM_001385285.1, NM_001093772.2, NM_001385286.1).
Identifiers: ClinVar variation 4093170 (VCV004093170.1).